The following is an entry in ClinVar:

ClinVar aggregate classification (germline): Benign/Likely benign. Review status: criteria provided, multiple submitters, no conflicts (2 of 4 stars). 3 submissions from 3 submitters: Benign (1); Likely benign (2). Last evaluated 2026-01-24.

Conditions:
TRRAP-related disorder. Also called: TRRAP-related condition.

Submissions (3):

Labcorp Genetics (formerly Invitae), Labcorp
Classification: Benign. Last evaluated: 2026-01-24. Review status: criteria provided, single submitter. Criteria: Invitae Variant Classification Sherloc (09022015). Collection method: clinical testing. Allele origin: germline.

Blueprint Genetics
Classification: Likely benign. Last evaluated: 2024-11-25. Review status: criteria provided, single submitter. Criteria: ACMG Guidelines, 2015. Collection method: clinical testing. Allele origin: germline.

PreventionGenetics, part of Exact Sciences
Classification: Likely benign for TRRAP-related condition. Last evaluated: 2024-10-20. Review status: criteria provided, single submitter. Criteria: ACMG Guidelines, 2015. Collection method: clinical testing. Allele origin: germline.
Comment: This variant is classified as likely benign based on ACMG/AMP sequence variant interpretation guidelines (Richards et al. 2015 PMID: 25741868, with internal and published modifications).

NM_001375524.1(TRRAP):c.1715-9_1715-8del

Gene: TRRAP (transformation/transcription domain associated protein; plus strand). Cytogenetic location: 7q22.1.
Variant type: Microsatellite.
Coding change: c.1715-9_1715-8del on transcript NM_001375524.1 (MANE Select); 9 bases into the intron before coding-DNA position 1715 through 8 bases into the intron before coding-DNA position 1715, 2 bases deleted (CT; older notation c.1715-9_1715-8delCT).
Molecular consequence: intron variant.
Genome position (GRCh38, 1-based): chr7:98,910,501-98,910,502, CT deleted; deleting any 2 consecutive bases within chr7:98,910,498-98,910,502 gives the same sequence; the c. name uses the placement nearest the transcript's 3' end. VCF-style (leftmost placement, unchanged base first): chr7-98910497-TTC-T. GRCh37 (hg19) VCF-style: chr7-98508120-TTC-T.
Other names: c.1715-9_1715-8delCT (NM_003496.3); c.1715-9_1715-8del (NM_001244580.2, NM_003496.4).
Identifiers: ClinVar variation 1988759 (VCV001988759.6), dbSNP rs577591351, ClinGen allele CA4359607.